The following is an entry in ClinVar:

NM_000548.5(TSC2):c.2871G>C (p.Leu957Phe)

Gene: TSC2 (TSC complex subunit 2; plus strand). Cytogenetic location: 16p13.3.
Variant type: single nucleotide variant.
Coding change: c.2871G>C on transcript NM_000548.5 (MANE Select); coding-DNA position 2871, G replaced by C.
Protein change: p.Leu957Phe; replaces leucine 957 with phenylalanine.
Molecular consequence: missense variant. On other transcripts: intron variant (9).
Genome position (GRCh38, 1-based): chr16:2,077,631, G>C. VCF-style: chr16-2077631-G-C. GRCh37 (hg19) VCF-style: chr16-2127632-G-C.
Other names: c.2871G>C, p.Leu957Phe (NM_001114382.3); c.2837+1046G>C (NM_021055.3, NM_001370405.1, NM_001363528.2 and 2 more transcripts); c.2726+1046G>C (NM_001318827.2); c.2237+1046G>C (NM_001318831.2); c.2690+1046G>C (NM_001318829.2); c.2870+1046G>C (NM_001318832.2); short protein forms L957F.
Identifiers: ClinVar variation 839036 (VCV000839036.12), dbSNP rs772755332, ClinGen allele CA394280952.
Genomic context (GRCh38, chr16:2,077,631, plus strand): 5'-CGTTGGGGCTCCTTCCTCACCCGATAGTCTGAGGATAGCCAGACCCCCCAAACAAGGCTT[G>C]AATAACTCTCCACCCGTGAAAGAATTCAAGGAGAGCTCTGCAGCCGAGGCCTTCCGGTGC-3'
Protein context (NP_000539.2, residues 947-967): LRIARPPKQG[Leu957Phe]NNSPPVKEFK

ClinVar aggregate classification (germline): Uncertain significance. Review status: criteria provided, multiple submitters, no conflicts (2 of 4 stars). 2 submissions from 2 submitters: Uncertain significance (2). Last evaluated 2022-10-19.

Conditions:
Hereditary cancer-predisposing syndrome. Also called: Neoplastic Syndromes, Hereditary; Hereditary neoplastic syndrome; Tumor predisposition; Hereditary Cancer Syndrome. Identifiers: Orphanet 140162, MedGen C0027672, MeSH D009386, MONDO:0015356.
Tuberous sclerosis 2 (TSC2). Identifiers: Orphanet 805, MedGen C1860707, MONDO:0013199, OMIM 613254.

Submissions (2):

Ambry Genetics
Classification: Uncertain significance for Hereditary cancer-predisposing syndrome. Last evaluated: 2022-10-19. Review status: criteria provided, single submitter. Criteria: Ambry Variant Classification Scheme 2023. Collection method: clinical testing. Allele origin: germline.
Comment: The p.L957F variant (also known as c.2871G>C), located in coding exon 25 of the TSC2 gene, results from a G to C substitution at nucleotide position 2871. The leucine at codon 957 is replaced by phenylalanine, an amino acid with highly similar properties. This amino acid position is conserved. In addition, the in silico prediction for this alteration is inconclusive. Since supporting evidence is limited at this time, the clinical significance of this alteration remains unclear.

Labcorp Genetics (formerly Invitae), Labcorp
Classification: Uncertain significance for Tuberous sclerosis 2. Last evaluated: 2020-03-14. Review status: criteria provided, single submitter. Criteria: Invitae Variant Classification Sherloc (09022015). Collection method: clinical testing. Allele origin: germline.
Comment: This variant has not been reported in the literature in individuals with TSC2-related conditions. This sequence change replaces leucine with phenylalanine at codon 957 of the TSC2 protein (p.Leu957Phe). The leucine residue is weakly conserved and there is a small physicochemical difference between leucine and phenylalanine. This variant is not present in population databases (ExAC no frequency). Algorithms developed to predict the effect of missense changes on protein structure and function (SIFT, PolyPhen-2, Align-GVGD) all suggest that this variant is likely to be tolerated, but these predictions have not been confirmed by published functional studies and their clinical significance is uncertain. In summary, the available evidence is currently insufficient to determine the role of this variant in disease. Therefore, it has been classified as a Variant of Uncertain Significance.